The following is an entry in ClinVar:

ClinVar aggregate classification (germline): Uncertain significance. Review status: criteria provided, multiple submitters, no conflicts (2 of 4 stars). 2 submissions from 2 submitters: Uncertain significance (2). Last evaluated 2023-03-24.

Conditions:
Inborn genetic diseases. Identifiers: MedGen C0950123, MeSH D030342.

Allele frequency attached by ClinVar (database versions not stated): gnomAD exomes 0.00003; ExAC 0.00005; TOPMed 0.00006; ESP Exome Variant Server 0.00008; gnomAD 0.00010.

Submissions (2):

GeneDx
Classification: Uncertain significance. Last evaluated: 2023-03-24. Review status: criteria provided, single submitter. Criteria: GeneDx Variant Classification Process June 2021. Collection method: clinical testing. Allele origin: germline. Affected: yes.
Comment: In silico analysis supports that this missense variant does not alter protein structure/function; Has not been previously published as pathogenic or benign to our knowledge

Ambry Genetics
Classification: Uncertain significance for Inborn genetic diseases. Last evaluated: 2022-11-17. Review status: criteria provided, single submitter. Criteria: Ambry Variant Classification Scheme 2023. Collection method: clinical testing. Allele origin: germline.

NM_004667.6(HERC2):c.3964A>G (p.Met1322Val)

Gene: HERC2 (HECT and RLD domain containing E3 ubiquitin protein ligase 2; minus strand). Cytogenetic location: 15q13.1.
Variant type: single nucleotide variant.
Coding change: c.3964A>G on transcript NM_004667.6 (MANE Select); coding-DNA position 3964, A replaced by G.
Protein change: p.Met1322Val; replaces methionine 1322 with valine.
Molecular consequence: missense variant.
Genome position (GRCh38, 1-based): chr15:28,237,002, T>C on the plus strand (A>G on the coding strand, the complement: HERC2 is on the minus strand). VCF-style: chr15-28237002-T-C. GRCh37 (hg19) VCF-style: chr15-28482148-T-C.
Other names: c.3964A>G (NM_004667.5); short protein forms M1322V.
Identifiers: ClinVar variation 2248672 (VCV002248672.3), dbSNP rs143358156, ClinGen allele CA7442774.
Genomic context (GRCh38, chr15:28,237,002, plus strand): 5'-AAAAAGCAAAGATTTTCTTACTGGCACATTCAATCTCGACAGGAGACAGCGGTGTGCTCA[T>C]TGCCAAATACGAAGCGTGTAATCCGAGAAGCAGGCCCAGATTCCTCTCTGTGTCTATCAG-3'
Protein context (NP_004658.3, residues 1312-1332): LLGLHASYLA[Met1322Val]STPLSPVEIE